The following is an entry in ClinVar:

ClinVar aggregate classification (germline): Likely benign. Review status: criteria provided, multiple submitters, no conflicts (2 of 4 stars). 2 submissions from 2 submitters: Likely benign (2). Last evaluated 2024-12-01.

Allele frequency attached by ClinVar (database versions not stated): ESP Exome Variant Server 0.00008; TOPMed 0.00046; 1000 Genomes Project 30x 0.00047; 1000 Genomes Project 0.00060; gnomAD exomes 0.00116; gnomAD 0.00143; ExAC 0.00152.
gnomAD v4.1: 1,893 of 1,605,144 alleles (0.12%); highest among the groups gnomAD compares: Non-Finnish European, 0.093%; 8 homozygotes.

Submissions (2):

CeGaT Center for Human Genetics Tuebingen
Classification: Likely benign. Last evaluated: 2024-12-01. Review status: criteria provided, single submitter. Criteria: CeGaT Center For Human Genetics Tuebingen Variant Classification Criteria Version 2. Collection method: clinical testing. Allele origin: germline. Affected: yes. Observed: 3 variant alleles.
Comment: CEP250: BS2

Blueprint Genetics
Classification: Likely benign. Last evaluated: 2024-11-19. Review status: criteria provided, single submitter. Criteria: ACMG Guidelines, 2015. Collection method: clinical testing. Allele origin: germline.

NM_007186.6(CEP250):c.3604G>A (p.Glu1202Lys)

Gene: CEP250 (centrosomal protein 250; plus strand). Cytogenetic location: 20q11.22.
Variant type: single nucleotide variant.
Coding change: c.3604G>A on transcript NM_007186.6 (MANE Select); coding-DNA position 3604, G replaced by A.
Protein change: p.Glu1202Lys; replaces glutamic acid 1202 with lysine.
Molecular consequence: missense variant.
Genome position (GRCh38, 1-based): chr20:35,498,016, G>A. VCF-style: chr20-35498016-G-A. GRCh37 (hg19) VCF-style: chr20-34085845-G-A.
Other names: c.1708G>A, p.Glu570Lys (NM_001318219.1); short protein forms E1202K, E570K.
Identifiers: ClinVar variation 2652283 (VCV002652283.25), dbSNP rs143620499, ClinGen allele CA9833502.